The following is an entry in ClinVar:

ClinVar aggregate classification (germline): Uncertain significance (1 of 4 stars; one submission).

Conditions:
Hereditary pancreatitis (PCTT). Also called: Hereditary chronic pancreatitis; PRSS1-Related Hereditary Pancreatitis. Identifiers: Orphanet 676, MedGen C0238339, MONDO:0008185, OMIM 167800.

Submission:

Ambry Genetics
Classification: Uncertain significance for Hereditary pancreatitis. Last evaluated: 2023-01-03. Review status: criteria provided, single submitter. Criteria: Ambry Variant Classification Scheme 2023. Collection method: clinical testing. Allele origin: germline.
Comment: The p.I78L variant (also known as c.232A>C), located in coding exon 3 of the PRSS1 gene, results from an A to C substitution at nucleotide position 232. The isoleucine at codon 78 is replaced by leucine, an amino acid with highly similar properties. This amino acid position is conserved. In addition, this alteration is predicted to be tolerated by in silico analysis. Since supporting evidence is limited at this time, the clinical significance of this alteration remains unclear.

NM_002769.5(PRSS1):c.232A>C (p.Ile78Leu)

Genes: PRSS1 (serine protease 1; plus strand), TRB (T cell receptor beta locus; plus strand). Cytogenetic location: 7q34.
Variant type: single nucleotide variant.
Coding change: c.232A>C on transcript NM_002769.5 (MANE Select); coding-DNA position 232, A replaced by C.
Protein change: p.Ile78Leu; replaces isoleucine 78 with leucine.
Molecular consequence: missense variant. On other transcripts: non-coding transcript variant (2).
Genome position (GRCh38, 1-based): chr7:142,751,805, A>C. VCF-style: chr7-142751805-A-C. GRCh37 (hg19) VCF-style: chr7-142459656-A-C.
Other names: short protein forms I78L.
Identifiers: ClinVar variation 2448225 (VCV002448225.2), dbSNP rs768255958, ClinGen allele CA369608442.